The following is an entry in ClinVar:

NM_001458.5(FLNC):c.5088G>C (p.Glu1696Asp)

Gene: FLNC (filamin C; plus strand). Cytogenetic location: 7q32.1.
Variant type: single nucleotide variant.
Coding change: c.5088G>C on transcript NM_001458.5 (MANE Select); coding-DNA position 5088, G replaced by C.
Protein change: p.Glu1696Asp; replaces glutamic acid 1696 with aspartic acid.
Molecular consequence: missense variant.
Genome position (GRCh38, 1-based): chr7:128,849,467, G>C. VCF-style: chr7-128849467-G-C. GRCh37 (hg19) VCF-style: chr7-128489521-G-C.
Other names: c.5088G>C, p.Glu1696Asp (NM_001127487.2); short protein forms E1696D.
Identifiers: ClinVar variation 1412545 (VCV001412545.6), dbSNP rs1563000172, ClinGen allele CA369204148.
Genomic context (GRCh38, chr7:128,849,467, plus strand): 5'-GAAGGTGACATGCACGGTGTCCACGCCGGATGGGGCAGAGCTCGATGTGGATGTGGTTGA[G>C]AACCATGACGGTACCTTTGACATCTACTACACAGCGCCCGAGCCGGGCAAGTACGTCATC-3'
Protein context (NP_001449.3, residues 1686-1706): DGAELDVDVV[Glu1696Asp]NHDGTFDIYY

ClinVar aggregate classification (germline): Uncertain significance (1 of 4 stars; one submission).

Conditions:
Distal myopathy with posterior leg and anterior hand involvement. Also called: WILLIAMS DISTAL MYOPATHY. Identifiers: Orphanet 63273, MedGen C3279722, MONDO:0013550, OMIM 614065.
Hypertrophic cardiomyopathy 26. Also called: Cardiomyopathy, familial hypertrophic, 26. Identifiers: Orphanet 75249, MedGen C4310749, MONDO:0014883, OMIM 617047.
Myofibrillar myopathy 5. Also called: Filaminopathy (type); FILAMINOPATHY, AUTOSOMAL DOMINANT. Identifiers: Orphanet 171445, MedGen C1836050, MONDO:0012289, OMIM 609524.

Submission:

Labcorp Genetics (formerly Invitae), Labcorp
Classification: Uncertain significance for Distal myopathy with posterior leg and anterior hand involvement; Myofibrillar myopathy 5; Hypertrophic cardiomyopathy 26. Last evaluated: 2024-08-03. Review status: criteria provided, single submitter. Criteria: Invitae Variant Classification Sherloc (09022015). Collection method: clinical testing. Allele origin: germline.
Comment: This sequence change replaces glutamic acid, which is acidic and polar, with aspartic acid, which is acidic and polar, at codon 1696 of the FLNC protein (p.Glu1696Asp). This variant is not present in population databases (gnomAD no frequency). This variant has not been reported in the literature in individuals affected with FLNC-related conditions. ClinVar contains an entry for this variant (Variation ID: 1412545). Advanced modeling of protein sequence and biophysical properties (such as structural, functional, and spatial information, amino acid conservation, physicochemical variation, residue mobility, and thermodynamic stability) has been performed at Invitae for this missense variant, however the output from this modeling did not meet the statistical confidence thresholds required to predict the impact of this variant on FLNC protein function. In summary, the available evidence is currently insufficient to determine the role of this variant in disease. Therefore, it has been classified as a Variant of Uncertain Significance.